The following is an entry in ClinVar:

ClinVar aggregate classification (germline): Uncertain significance (1 of 4 stars; one submission).

Allele frequency attached by ClinVar (database versions not stated): gnomAD exomes below 0.00001; TOPMed below 0.00001.
gnomAD v4.1: 7 of 1,614,184 alleles (0.00043%); highest among the groups gnomAD compares: East Asian, 0.0022%; no homozygotes.

Submission:

Labcorp Genetics (formerly Invitae), Labcorp
Classification: Uncertain significance. Last evaluated: 2025-06-15. Review status: criteria provided, single submitter. Criteria: Invitae Variant Classification Sherloc (09022015). Collection method: clinical testing. Allele origin: germline.
Comment: This sequence change replaces arginine, which is basic and polar, with tryptophan, which is neutral and slightly polar, at codon 876 of the KIF20A protein (p.Arg876Trp). This variant is not present in population databases (gnomAD no frequency). This variant has not been reported in the literature in individuals affected with KIF20A-related conditions. ClinVar contains an entry for this variant (Variation ID: 1487780). An algorithm developed to predict the effect of missense changes on protein structure and function (PolyPhen-2) suggests that this variant is likely to be tolerated. In summary, the available evidence is currently insufficient to determine the role of this variant in disease. Therefore, it has been classified as a Variant of Uncertain Significance.

NM_005733.3(KIF20A):c.2626C>T (p.Arg876Trp)

Gene: KIF20A (kinesin family member 20A; plus strand). Cytogenetic location: 5q31.2.
Variant type: single nucleotide variant.
Coding change: c.2626C>T on transcript NM_005733.3 (MANE Select); coding-DNA position 2626, C replaced by T.
Protein change: p.Arg876Trp; replaces arginine 876 with tryptophan.
Molecular consequence: missense variant.
Genome position (GRCh38, 1-based): chr5:138,187,366, C>T. VCF-style: chr5-138187366-C-T. GRCh37 (hg19) VCF-style: chr5-137523055-C-T.
Other names: short protein forms R876W.
Identifiers: ClinVar variation 1487780 (VCV001487780.8), dbSNP rs1754764012, ClinGen allele CA361120428.
Genomic context (GRCh38, chr5:138,187,366, plus strand): 5'-CGAACACCAACCTGCCAAAGCTCAACAGACTGCAGCCCTTATGCCCGGATCCTACGCTCA[C>T]GGCGTTCCCCTTTACTCAAATCTGGGCCTTTTGGCAAAAAGTACTAAGGCTGTGGGGAAA-3'
Protein context (NP_005724.1, residues 866-886): CSPYARILRS[Arg876Trp]RSPLLKSGPF